The following is an entry in ClinVar:

ClinVar aggregate classification (germline): Uncertain significance (1 of 4 stars; one submission).

Submission:

GeneDx
Classification: Uncertain significance. Last evaluated: 2025-06-09. Review status: criteria provided, single submitter. Criteria: GeneDx Variant Classification Process June 2021. Collection method: clinical testing. Allele origin: germline.
Comment: Not observed at significant frequency in large population cohorts (gnomAD); Canonical splice site variant in a gene or region of a gene for which loss of function is not a well-established mechanism of disease; Has not been previously published as pathogenic or benign to our knowledge

NM_144973.4(DENND5B):c.1861+2T>A

Gene: DENND5B (DENN domain containing 5B; minus strand). Cytogenetic location: 12p11.21.
Variant type: single nucleotide variant.
Coding change: c.1861+2T>A on transcript NM_144973.4 (MANE Select); the canonical splice donor site of the intron after coding-DNA position 1861, T replaced by A.
Molecular consequence: splice donor variant.
Genome position (GRCh38, 1-based): chr12:31,447,536, A>T on the plus strand (T>A on the coding strand, the complement: DENND5B is on the minus strand). VCF-style: chr12-31447536-A-T. GRCh37 (hg19) VCF-style: chr12-31600470-A-T.
Other names: c.1966+2T>A (NM_001308339.2); c.1927+2T>A (NM_001366890.1).
Identifiers: ClinVar variation 3252780 (VCV003252780.2), dbSNP rs2499008105.
Genomic context (GRCh38, chr12:31,447,536, plus strand): 5'-CAATTTGTGGGAAAAAAGCGATAATGGATTTTAATTTAATTTAAAAGGCATGGCAAATGT[A>T]CCTGCTTCTTTTAAAGTGCTGCATTTCTGATATATAGATGTCCGCAAGGTGGGTGCCCTT-3'